The following is an entry in ClinVar:

ClinVar aggregate classification (germline): Uncertain significance (1 of 4 stars; one submission).

Conditions:
Dystonic disorder. Also called: Dystonia. Identifiers: MedGen C0013421, MONDO:0003441, HP:0001332.

Submission:

Labcorp Genetics (formerly Invitae), Labcorp
Classification: Uncertain significance for Dystonic disorder. Last evaluated: 2022-10-13. Review status: criteria provided, single submitter. Criteria: Invitae Variant Classification Sherloc (09022015). Collection method: clinical testing. Allele origin: germline.
Comment: In summary, the available evidence is currently insufficient to determine the role of this variant in disease. Therefore, it has been classified as a Variant of Uncertain Significance. Advanced modeling of protein sequence and biophysical properties (such as structural, functional, and spatial information, amino acid conservation, physicochemical variation, residue mobility, and thermodynamic stability) performed at Invitae indicates that this missense variant is expected to disrupt SPR protein function. ClinVar contains an entry for this variant (Variation ID: 1392128). This variant has not been reported in the literature in individuals affected with SPR-related conditions. This variant is not present in population databases (gnomAD no frequency). This sequence change replaces arginine, which is basic and polar, with histidine, which is basic and polar, at codon 177 of the SPR protein (p.Arg177His).

NM_003124.5(SPR):c.530G>A (p.Arg177His)

Gene: SPR (sepiapterin reductase; plus strand). Cytogenetic location: 2p13.2.
Variant type: single nucleotide variant.
Coding change: c.530G>A on transcript NM_003124.5 (MANE Select); coding-DNA position 530, G replaced by A.
Protein change: p.Arg177His; replaces arginine 177 with histidine.
Molecular consequence: missense variant.
Genome position (GRCh38, 1-based): chr2:72,888,539, G>A. VCF-style: chr2-72888539-G-A. GRCh37 (hg19) VCF-style: chr2-73115668-G-A.
Other names: short protein forms R177H.
Identifiers: ClinVar variation 1392128 (VCV001392128.6), dbSNP rs2105241140, ClinGen allele CA347231983.